The following is an entry in ClinVar:

ClinVar aggregate classification (germline): Conflicting classifications of pathogenicity. Review status: criteria provided, conflicting classifications (1 of 4 stars). 3 submissions from 3 submitters: Uncertain significance (2); Likely benign (1). Last evaluated 2026-02-01.

Allele frequency attached by ClinVar (database versions not stated): ExAC 0.00002; gnomAD exomes 0.00004; TOPMed 0.00008; gnomAD 0.00011.
gnomAD v4.1: 102 of 1,613,844 alleles (0.0063%); highest among the groups gnomAD compares: Non-Finnish European, 0.0082%; no homozygotes.

Submissions (3):

Labcorp Genetics (formerly Invitae), Labcorp
Classification: Uncertain significance. Last evaluated: 2026-02-01. Review status: criteria provided, single submitter. Criteria: Invitae Variant Classification Sherloc (09022015). Collection method: clinical testing. Allele origin: germline.
Comment: This sequence change replaces aspartic acid, which is acidic and polar, with glutamic acid, which is acidic and polar, at codon 526 of the IMPG1 protein (p.Asp526Glu). This variant is present in population databases (rs201558857, gnomAD 0.009%). This variant has not been reported in the literature in individuals affected with IMPG1-related conditions. ClinVar contains an entry for this variant (Variation ID: 936433). An algorithm developed to predict the effect of missense changes on protein structure and function outputs the following: PolyPhen-2: "Benign". The glutamic acid amino acid residue is found in multiple mammalian species, which suggests that this missense change does not adversely affect protein function. In summary, the available evidence is currently insufficient to determine the role of this variant in disease. Therefore, it has been classified as a Variant of Uncertain Significance.

Ambry Genetics
Classification: Likely benign. Last evaluated: 2023-04-19. Review status: criteria provided, single submitter. Criteria: Ambry Variant Classification Scheme 2023. Collection method: clinical testing. Allele origin: germline.

Blueprint Genetics
Classification: Uncertain significance. Last evaluated: 2022-03-21. Review status: criteria provided, single submitter. Criteria: ACMG Guidelines, 2015. Collection method: clinical testing. Allele origin: germline.

NM_001563.4(IMPG1):c.1578C>G (p.Asp526Glu)

Gene: IMPG1 (interphotoreceptor matrix proteoglycan 1; minus strand). Cytogenetic location: 6q14.1.
Variant type: single nucleotide variant.
Coding change: c.1578C>G on transcript NM_001563.4 (MANE Select); coding-DNA position 1578, C replaced by G.
Protein change: p.Asp526Glu; replaces aspartic acid 526 with glutamic acid.
Molecular consequence: missense variant.
Genome position (GRCh38, 1-based): chr6:75,950,808, G>C on the plus strand (C>G on the coding strand, the complement: IMPG1 is on the minus strand). VCF-style: chr6-75950808-G-C. GRCh37 (hg19) VCF-style: chr6-76660525-G-C.
Other names: c.1344C>G, p.Asp448Glu (NM_001282368.2); c.1578C>G (NM_001563.2); short protein forms D448E, D526E.
Identifiers: ClinVar variation 936433 (VCV000936433.12), dbSNP rs201558857, ClinGen allele CA3898088.